The following is an entry in ClinVar:

NM_001355436.2(SPTB):c.5383G>A (p.Ala1795Thr)

Gene: SPTB (spectrin beta, erythrocytic; minus strand). Cytogenetic location: 14q23.3.
Variant type: single nucleotide variant.
Coding change: c.5383G>A on transcript NM_001355436.2 (MANE Select); coding-DNA position 5383, G replaced by A.
Protein change: p.Ala1795Thr; replaces alanine 1795 with threonine.
Molecular consequence: missense variant.
Genome position (GRCh38, 1-based): chr14:64,772,750, C>T on the plus strand (G>A on the coding strand, the complement: SPTB is on the minus strand). VCF-style: chr14-64772750-C-T. GRCh37 (hg19) VCF-style: chr14-65239468-C-T.
Other names: NM_000347.5:c.5383G>A; c.5383G>A, p.Ala1795Thr (NM_001024858.4, NM_001355437.2); short protein forms A1795T.
Identifiers: ClinVar variation 3448955 (VCV003448955.2).

ClinVar aggregate classification (germline): Uncertain significance. Review status: criteria provided, multiple submitters, no conflicts (2 of 4 stars). 2 submissions from 2 submitters: Uncertain significance (2). Last evaluated 2025-04-17.

Conditions:
Inborn genetic diseases. Identifiers: MedGen C0950123, MeSH D030342.

gnomAD v4.1: 25 of 1,613,888 alleles (0.0015%); highest among the groups gnomAD compares: South Asian, 0.0044%; no homozygotes.

Submissions (2):

Labcorp Genetics (formerly Invitae), Labcorp
Classification: Uncertain significance. Last evaluated: 2025-04-17. Review status: criteria provided, single submitter. Criteria: Invitae Variant Classification Sherloc (09022015). Collection method: clinical testing. Allele origin: germline.
Comment: This sequence change replaces alanine, which is neutral and non-polar, with threonine, which is neutral and polar, at codon 1795 of the SPTB protein (p.Ala1795Thr). This variant is present in population databases (rs749332448, gnomAD 0.006%). This variant has not been reported in the literature in individuals affected with SPTB-related conditions. ClinVar contains an entry for this variant (Variation ID: 3448955). An algorithm developed to predict the effect of missense changes on protein structure and function (PolyPhen-2) suggests that this variant is likely to be tolerated. In summary, the available evidence is currently insufficient to determine the role of this variant in disease. Therefore, it has been classified as a Variant of Uncertain Significance.

Ambry Genetics
Classification: Uncertain significance for Inborn genetic diseases. Last evaluated: 2024-11-14. Review status: criteria provided, single submitter. Criteria: Ambry Variant Classification Scheme 2023. Collection method: clinical testing. Allele origin: germline.